The following is an entry in ClinVar:

NM_000136.3(FANCC):c.254A>G (p.Glu85Gly)

Gene: FANCC (FA complementation group C; minus strand). Cytogenetic location: 9q22.32.
Variant type: single nucleotide variant.
Coding change: c.254A>G on transcript NM_000136.3 (MANE Select); coding-DNA position 254, A replaced by G.
Protein change: p.Glu85Gly; replaces glutamic acid 85 with glycine.
Molecular consequence: missense variant.
Genome position (GRCh38, 1-based): chr9:95,240,740, T>C on the plus strand (A>G on the coding strand, the complement: FANCC is on the minus strand). VCF-style: chr9-95240740-T-C. GRCh37 (hg19) VCF-style: chr9-98003022-T-C.
Other names: c.254A>G, p.Glu85Gly (NM_001243743.2, NM_001243744.2); short protein forms E85G.
Identifiers: ClinVar variation 1792922 (VCV001792922.7), dbSNP rs774807874, ClinGen allele CA5137788.

ClinVar aggregate classification (germline): Uncertain significance. Review status: criteria provided, multiple submitters, no conflicts (2 of 4 stars). 2 submissions from 2 submitters: Uncertain significance (2). Last evaluated 2025-12-08.

Conditions:
Hereditary cancer-predisposing syndrome. Also called: Tumor predisposition; Hereditary Cancer Syndrome; Neoplastic Syndromes, Hereditary; Hereditary neoplastic syndrome. Identifiers: Orphanet 140162, MedGen C0027672, MeSH D009386, MONDO:0015356.
Fanconi anemia (FA). Also called: Fanconi's anemia. Identifiers: Orphanet 84, MedGen C0015625, MeSH D005199, MONDO:0019391.

Allele frequency attached by ClinVar (database versions not stated): gnomAD exomes below 0.00001; ExAC 0.00001; gnomAD 0.00001.
gnomAD v4.1: 2 of 1,597,810 alleles (0.00013%); highest among the groups gnomAD compares: South Asian, 0.0022%; no homozygotes.

Submissions (2):

Labcorp Genetics (formerly Invitae), Labcorp
Classification: Uncertain significance for Fanconi anemia. Last evaluated: 2025-12-08. Review status: criteria provided, single submitter. Criteria: Invitae Variant Classification Sherloc (09022015). Collection method: clinical testing. Allele origin: germline.
Comment: This sequence change replaces glutamic acid, which is acidic and polar, with glycine, which is neutral and non-polar, at codon 85 of the FANCC protein (p.Glu85Gly). This variant is present in population databases (rs774807874, gnomAD 0.003%). This missense change has been observed in individual(s) with pancreatic cancer (PMID: 15695377). ClinVar contains an entry for this variant (Variation ID: 1792922). Invitae Evidence Modeling of protein sequence and biophysical properties (such as structural, functional, and spatial information, amino acid conservation, physicochemical variation, residue mobility, and thermodynamic stability) has been performed for this missense variant. However, the output from this modeling did not meet the statistical confidence thresholds required to predict the impact of this variant on FANCC protein function. In summary, the available evidence is currently insufficient to determine the role of this variant in disease. Therefore, it has been classified as a Variant of Uncertain Significance.

Ambry Genetics
Classification: Uncertain significance for Hereditary cancer-predisposing syndrome. Last evaluated: 2024-02-13. Review status: criteria provided, single submitter. Criteria: Ambry Variant Classification Scheme 2023. Collection method: clinical testing. Allele origin: germline.
Comment: The p.E85G variant (also known as c.254A>G), located in coding exon 3 of the FANCC gene, results from an A to G substitution at nucleotide position 254. The glutamic acid at codon 85 is replaced by glycine, an amino acid with similar properties. This alteration has been previously identified in 1/421 pancreatic cancer cases and 0/654 controls (Couch FJ et al. Cancer Res, 2005 Jan;65:383-6). This amino acid position is highly conserved in available vertebrate species. In addition, this alteration is predicted to be deleterious by in silico analysis. Based on the available evidence, the clinical significance of this alteration remains unclear.

Literature cited by the submitters: PubMed 15695377 (cited by Labcorp Genetics (formerly Invitae), Labcorp and Ambry Genetics); PubMed 33471991 (cited by Ambry Genetics).